The following is an entry in ClinVar:

ClinVar aggregate classification (germline): Uncertain significance (1 of 4 stars; one submission).

Conditions:
MEGF10-related myopathy (CMYO10A). Also called: Congenital myopathy 10A, severe variant. Identifiers: Orphanet 439212, MedGen C3280679, MONDO:0013731, OMIM 614399.

Allele frequency attached by ClinVar (database versions not stated): gnomAD exomes below 0.00001.
gnomAD v4.1: 1 of 1,614,102 alleles (0.000062%); highest among the groups gnomAD compares: Admixed American, 0.0017%; no homozygotes.

Submission:

Labcorp Genetics (formerly Invitae), Labcorp
Classification: Uncertain significance for MEGF10-related myopathy. Last evaluated: 2025-03-13. Review status: criteria provided, single submitter. Criteria: Invitae Variant Classification Sherloc (09022015). Collection method: clinical testing. Allele origin: germline.
Comment: This sequence change replaces glycine, which is neutral and non-polar, with arginine, which is basic and polar, at codon 403 of the MEGF10 protein (p.Gly403Arg). This variant is present in population databases (no rsID available, gnomAD 0.003%). This variant has not been reported in the literature in individuals affected with MEGF10-related conditions. ClinVar contains an entry for this variant (Variation ID: 1515294). Invitae Evidence Modeling of protein sequence and biophysical properties (such as structural, functional, and spatial information, amino acid conservation, physicochemical variation, residue mobility, and thermodynamic stability) indicates that this missense variant is not expected to disrupt MEGF10 protein function with a negative predictive value of 80%. Algorithms developed to predict the effect of sequence changes on RNA splicing suggest that this variant may create or strengthen a splice site. In summary, the available evidence is currently insufficient to determine the role of this variant in disease. Therefore, it has been classified as a Variant of Uncertain Significance.

NM_001256545.2(MEGF10):c.1207G>A (p.Gly403Arg)

Gene: MEGF10 (multiple EGF like domains 10; plus strand). Cytogenetic location: 5q23.2.
Variant type: single nucleotide variant.
Coding change: c.1207G>A on transcript NM_001256545.2 (MANE Select); coding-DNA position 1207, G replaced by A.
Protein change: p.Gly403Arg; replaces glycine 403 with arginine.
Molecular consequence: missense variant.
Genome position (GRCh38, 1-based): chr5:127,417,714, G>A. VCF-style: chr5-127417714-G-A. GRCh37 (hg19) VCF-style: chr5-126753406-G-A.
Other names: c.1207G>A, p.Gly403Arg (NM_001308119.2, NM_001308121.2, NM_032446.3); short protein forms G403R.
Identifiers: ClinVar variation 1515294 (VCV001515294.6), dbSNP rs1431165906, ClinGen allele CA360728038.